The following is an entry in ClinVar:

ClinVar aggregate classification (germline): Uncertain significance (1 of 4 stars; one submission).

Conditions:
Megalencephaly-polymicrogyria-polydactyly-hydrocephalus syndrome 2 (MPPH2). Also called: MEGALENCEPHALY-POLYMICROGYRIA-POLYDACTYLY-HYDROCEPHALUS SYNDROME 2, SOMATIC. Identifiers: Orphanet 83473, MedGen C4014738, MONDO:0014407, OMIM 615937.

Submission:

Labcorp Genetics (formerly Invitae), Labcorp
Classification: Uncertain significance for Megalencephaly-polymicrogyria-polydactyly-hydrocephalus syndrome 2. Last evaluated: 2019-03-13. Review status: criteria provided, single submitter. Criteria: Invitae Variant Classification Sherloc (09022015). Collection method: clinical testing. Allele origin: germline.
Comment: In summary, this variant is a novel missense change with uncertain impact on protein function. It has been classified as a Variant of Uncertain Significance. Algorithms developed to predict the effect of missense changes on protein structure and function do not agree on the potential impact of this missense change (SIFT: "Deleterious"; PolyPhen-2: "Benign"; Align-GVGD: "Class C25"). This variant is not present in population databases (ExAC no frequency) and has not been reported in the literature in individuals with an AKT3-related disease. This sequence change replaces valine with leucine at codon 426 of the AKT3 protein (p.Val426Leu). The valine residue is highly conserved and there is a small physicochemical difference between valine and leucine.

NM_005465.7(AKT3):c.1276G>C (p.Val426Leu)

Gene: AKT3 (AKT serine/threonine kinase 3; minus strand). Cytogenetic location: 1q44.
Variant type: single nucleotide variant.
Coding change: c.1276G>C on transcript NM_005465.7 (MANE Select); coding-DNA position 1276, G replaced by C.
Protein change: p.Val426Leu; replaces valine 426 with leucine.
Molecular consequence: missense variant.
Genome position (GRCh38, 1-based): chr1:243,512,402, C>G on the plus strand (G>C on the coding strand, the complement: AKT3 is on the minus strand). VCF-style: chr1-243512402-C-G. GRCh37 (hg19) VCF-style: chr1-243675704-C-G.
Other names: c.1276G>C, p.Val426Leu (NM_001206729.2, NM_001370074.1, NM_181690.2); short protein forms V426L.
Identifiers: ClinVar variation 475212 (VCV000475212.8), dbSNP rs868556430, ClinGen allele CA345668745.